The following is an entry in ClinVar:

ClinVar aggregate classification (germline): Uncertain significance. Review status: criteria provided, multiple submitters, no conflicts (2 of 4 stars). 3 submissions from 3 submitters: Uncertain significance (3). Last evaluated 2025-11-20.

Conditions:
Hereditary cancer-predisposing syndrome. Also called: Neoplastic Syndromes, Hereditary; Tumor predisposition; Hereditary neoplastic syndrome; Hereditary Cancer Syndrome. Identifiers: Orphanet 140162, MedGen C0027672, MeSH D009386, MONDO:0015356.
Cardiovascular phenotype. Identifiers: MedGen CN230736.

gnomAD v4.1: 1 of 1,613,768 alleles (0.000062%); no homozygotes.

Submissions (3):

Ambry Genetics
Classification: Uncertain significance for Cardiovascular phenotype; Hereditary cancer-predisposing syndrome. Last evaluated: 2025-11-20. Review status: criteria provided, single submitter. Criteria: Ambry Variant Classification Scheme 2023. Collection method: clinical testing. Allele origin: germline.
Comment: The p.E154D variant (also known as c.462A>T), located in coding exon 5 of the LZTR1 gene, results from an A to T substitution at nucleotide position 462. The glutamic acid at codon 154 is replaced by aspartic acid, an amino acid with highly similar properties. This amino acid position is highly conserved in available vertebrate species. In addition, the in silico prediction for this alteration is inconclusive. Based on the available evidence, the clinical significance of this variant remains unclear.

Labcorp Genetics (formerly Invitae), Labcorp
Classification: Uncertain significance. Last evaluated: 2025-07-27. Review status: criteria provided, single submitter. Criteria: Invitae Variant Classification Sherloc (09022015). Collection method: clinical testing. Allele origin: germline.
Comment: This sequence change replaces glutamic acid, which is acidic and polar, with aspartic acid, which is acidic and polar, at codon 154 of the LZTR1 protein (p.Glu154Asp). This variant is not present in population databases (gnomAD no frequency). This variant has not been reported in the literature in individuals affected with LZTR1-related conditions. ClinVar contains an entry for this variant (Variation ID: 957591). Invitae Evidence Modeling of protein sequence and biophysical properties (such as structural, functional, and spatial information, amino acid conservation, physicochemical variation, residue mobility, and thermodynamic stability) indicates that this missense variant is not expected to disrupt LZTR1 protein function with a negative predictive value of 80%. In summary, the available evidence is currently insufficient to determine the role of this variant in disease. Therefore, it has been classified as a Variant of Uncertain Significance.

Blueprint Genetics
Classification: Uncertain significance. Last evaluated: 2024-10-11. Review status: criteria provided, single submitter. Criteria: ACMG Guidelines, 2015. Collection method: clinical testing. Allele origin: germline.

NM_006767.4(LZTR1):c.462A>T (p.Glu154Asp)

Gene: LZTR1 (leucine zipper like post translational regulator 1; plus strand). Cytogenetic location: 22q11.21.
Variant type: single nucleotide variant.
Coding change: c.462A>T on transcript NM_006767.4 (MANE Select); coding-DNA position 462, A replaced by T.
Protein change: p.Glu154Asp; replaces glutamic acid 154 with aspartic acid.
Molecular consequence: missense variant.
Genome position (GRCh38, 1-based): chr22:20,988,071, A>T. VCF-style: chr22-20988071-A-T. GRCh37 (hg19) VCF-style: chr22-21342360-A-T.
Other names: short protein forms E154D.
Identifiers: ClinVar variation 957591 (VCV000957591.14), dbSNP rs1924461657, ClinGen allele CA410779836.
Genomic context (GRCh38, chr22:20,988,071, plus strand): 5'-GGGTTACACTGGGGACATTTATTCCAATTCTAACTTGAAGAATAAAAACGACCTCTTTGA[A>T]TACAAGTTTGCAACTGGCCAGTGGACGGAGTGGAAAATTGAAGGACGGTGAGAAACTTTG-3'
Protein context (NP_006758.2, residues 144-164): SNLKNKNDLF[Glu154Asp]YKFATGQWTE